The following is an entry in ClinVar:

NM_000138.5(FBN1):c.2956del (p.Ala986fs)

Gene: FBN1 (fibrillin 1; minus strand). Cytogenetic location: 15q21.1.
Variant type: Deletion.
Coding change: c.2956del on transcript NM_000138.5 (MANE Select); coding-DNA position 2956, one base deleted (G; older notation c.2956delG).
Protein change: p.Ala986fs; shifts the reading frame from alanine 986.
Molecular consequence: frameshift variant.
Genome position (GRCh38, 1-based): chr15:48,489,977, C deleted on the plus strand (G on the coding strand, the reverse complement: FBN1 is on the minus strand); the first of 4 consecutive C bases (chr15:48,489,977-48,489,980); deleting any one gives the same sequence. VCF-style (leftmost placement, unchanged base first): chr15-48489976-GC-G. GRCh37 (hg19) VCF-style: chr15-48782173-GC-G.
Other names: c.2956del, p.Ala986fs (NM_001406716.1); short protein forms A986fs.
Identifiers: ClinVar variation 3775080 (VCV003775080.2).

ClinVar aggregate classification (germline): Pathogenic/Likely pathogenic. Review status: criteria provided, multiple submitters, no conflicts (2 of 4 stars). 2 submissions from 2 submitters: Pathogenic (1); Likely pathogenic (1). Last evaluated 2025-11-09.

Conditions:
Marfan syndrome (MFS). Also called: MARFAN SYNDROME, TYPE I; Marfan syndrome type 1; Marfan's syndrome; Marfan syndrome, classic; FBN1-Related Marfan Syndrome. Identifiers: Orphanet 284963, Orphanet 558, MedGen C0024796, MONDO:0007947, OMIM 154700.
Familial thoracic aortic aneurysm and aortic dissection (TAAD). Also called: Thoracic aortic aneurysms and dissections. Identifiers: Orphanet 91387, MedGen C4707243, MONDO:0019625.

Submissions (2):

Labcorp Genetics (formerly Invitae), Labcorp
Classification: Pathogenic for Marfan syndrome; Familial thoracic aortic aneurysm and aortic dissection. Last evaluated: 2025-11-09. Review status: criteria provided, single submitter. Criteria: Invitae Variant Classification Sherloc (09022015). Collection method: clinical testing. Allele origin: germline.
Comment: This sequence change creates a premature translational stop signal (p.Ala986Glnfs*13) in the FBN1 gene. It is expected to result in an absent or disrupted protein product. Loss-of-function variants in FBN1 are known to be pathogenic (PMID: 17657824, 19293843). This variant is not present in population databases (gnomAD no frequency). This variant has not been reported in the literature in individuals affected with FBN1-related conditions. ClinVar contains an entry for this variant (Variation ID: 3775080). For these reasons, this variant has been classified as Pathogenic.

Kasturba Medical College, Manipal, Kasturba Medical College, Manipal, Manipal Academy of Higher Education, Manipal, India
Classification: Likely pathogenic for Marfan syndrome. Review status: criteria provided, single submitter. Criteria: ACMG Guidelines, 2015. Collection method: research. Allele origin: unknown. Inheritance: Autosomal dominant inheritance. Affected: yes. Observed: 1 heterozygote.
Comment: The mother’s sample was not available for testing. This variant is not present in homozygous and/or heterozygous state in the gnomAD (v4.1.0) population database and in our in-house exome database of 3355 individuals. This variant is likely to cause a shift in the reading frame of the transcript which may lead to either nonsense-mediated mRNA decay or the formation of a truncated protein product.

Literature cited by the submitters: PubMed 17657824 (cited by Labcorp Genetics (formerly Invitae), Labcorp); PubMed 19293843 (cited by Labcorp Genetics (formerly Invitae), Labcorp).